The following is an entry in ClinVar:

ClinVar aggregate classification (germline): Uncertain significance (1 of 4 stars; one submission).

gnomAD v4.1: 3 of 1,519,752 alleles (0.0002%); highest among the groups gnomAD compares: Non-Finnish European, 0.00026%; no homozygotes.

Submission:

Ambry Genetics
Classification: Uncertain significance. Last evaluated: 2026-01-25. Review status: criteria provided, single submitter. Criteria: Ambry Variant Classification Scheme 2023. Collection method: clinical testing. Allele origin: germline.
Comment: The p.P152R variant (also known as c.455C>G), located in coding exon 1 of the PALLD gene, results from a C to G substitution at nucleotide position 455. The proline at codon 152 is replaced by arginine, an amino acid with dissimilar properties. This amino acid position is conserved. In addition, this alteration is predicted to be tolerated by in silico analysis. Based on the available evidence, the clinical significance of this variant remains unclear.

NM_001166108.2(PALLD):c.1965-12576C>G

Gene: PALLD (palladin, cytoskeletal associated protein; plus strand). Cytogenetic location: 4q32.3.
Variant type: single nucleotide variant.
Coding change: c.1965-12576C>G on transcript NM_001166108.2 (MANE Select); 12576 bases into the intron before coding-DNA position 1965, C replaced by G.
Molecular consequence: intron variant. On other transcripts: missense variant (1).
Genome position (GRCh38, 1-based): chr4:168,878,346, C>G. VCF-style: chr4-168878346-C-G. GRCh37 (hg19) VCF-style: chr4-169799497-C-G.
Other names: c.455C>G, p.Pro152Arg (NM_001166110.2); c.1965-12576C>G (NM_016081.4); c.819-12576C>G (NM_001166109.2); c.-157-12576C>G (NM_001367570.1, NM_001367568.1, NM_001367567.1 and 1 more transcripts); short protein forms P152R.
Identifiers: ClinVar variation 4844649 (VCV004844649.1).